The following is an entry in ClinVar:

ClinVar aggregate classification (germline): Conflicting classifications of pathogenicity. Review status: criteria provided, conflicting classifications (1 of 4 stars). 3 submissions from 3 submitters: Likely pathogenic (1); Uncertain significance (1). 1 of the submissions does not count toward it. Last evaluated 2025-07-17.

Conditions:
Hypophosphatasia. Also called: Phosphoethanol-aminuria. Identifiers: Orphanet 436, MedGen C0020630, MeSH D007014, MONDO:0018570.

Submissions (3):

Women's Health and Genetics/Laboratory Corporation of America, LabCorp
Classification: Uncertain significance. Last evaluated: 2025-07-17. Review status: criteria provided, single submitter. Criteria: LabCorp Variant Classification Summary - May 2015. Collection method: clinical testing. Allele origin: germline.
Comment: Variant summary: ALPL c.436G>C (p.Glu146Gln) results in a conservative amino acid change in the encoded protein sequence. Algorithms developed to predict the effect of missense changes on protein structure and function are either unavailable or do not agree on the potential impact of this missense change. The variant was absent in 250268 control chromosomes. The available data on variant occurrences in the general population are insufficient to allow any conclusion about variant significance. To our knowledge, no occurrence of c.436G>C in individuals affected with Hypophosphatasia and no experimental evidence demonstrating its impact on protein function have been reported. A different variant affecting the same codon has been classified as likely pathogenic by our lab (c.436G>A, p.Glu146Lys), supporting the critical relevance of codon 146 to ALPL protein function. ClinVar contains an entry for this variant (Variation ID: 2108152). Based on the evidence outlined above, the variant was classified as uncertain significance.

Labcorp Genetics (formerly Invitae), Labcorp
Classification: Likely pathogenic. Last evaluated: 2022-03-09. Review status: criteria provided, single submitter. Criteria: Invitae Variant Classification Sherloc (09022015). Collection method: clinical testing. Allele origin: germline.
Comment: In summary, the currently available evidence indicates that the variant is pathogenic, but additional data are needed to prove that conclusively. Therefore, this variant has been classified as Likely Pathogenic. This variant disrupts the p.Glu146 amino acid residue in ALPL. Other variant(s) that disrupt this residue have been determined to be pathogenic (PMID: 21956185, 26432670, 28127875, 28401263; Invitae). This suggests that this residue is clinically significant, and that variants that disrupt this residue are likely to be disease-causing. Advanced modeling of protein sequence and biophysical properties (such as structural, functional, and spatial information, amino acid conservation, physicochemical variation, residue mobility, and thermodynamic stability) performed at Invitae indicates that this missense variant is expected to disrupt ALPL protein function. This variant has not been reported in the literature in individuals affected with ALPL-related conditions. This variant is not present in population databases (gnomAD no frequency). This sequence change replaces glutamic acid, which is acidic and polar, with glutamine, which is neutral and polar, at codon 146 of the ALPL protein (p.Glu146Gln).

Natera, Inc.
Classification: Uncertain significance for Hypophosphatasia. Last evaluated: 2025-05-12. Review status: no assertion criteria provided. Collection method: clinical testing. Allele origin: germline. Not counted in ClinVar's aggregate classification.

Literature cited by the submitters: PubMed 21956185 (cited by Labcorp Genetics (formerly Invitae), Labcorp); PubMed 26432670 (cited by Labcorp Genetics (formerly Invitae), Labcorp); PubMed 28127875 (cited by Labcorp Genetics (formerly Invitae), Labcorp); PubMed 28401263 (cited by Labcorp Genetics (formerly Invitae), Labcorp).

NM_000478.6(ALPL):c.436G>C (p.Glu146Gln)

Gene: ALPL (alkaline phosphatase, biomineralization associated; plus strand). Cytogenetic location: 1p36.12.
Variant type: single nucleotide variant.
Coding change: c.436G>C on transcript NM_000478.6 (MANE Select); coding-DNA position 436, G replaced by C.
Protein change: p.Glu146Gln; replaces glutamic acid 146 with glutamine.
Molecular consequence: missense variant.
Genome position (GRCh38, 1-based): chr1:21,563,248, G>C. VCF-style: chr1-21563248-G-C. GRCh37 (hg19) VCF-style: chr1-21889741-G-C.
Other names: c.436G>C (NM_000478.5); c.271G>C, p.Glu91Gln (NM_001127501.4); c.205G>C, p.Glu69Gln (NM_001177520.3); c.436G>C, p.Glu146Gln (NM_001369803.2, NM_001369804.2, NM_001369805.2); short protein forms E69Q, E91Q, E146Q.
Identifiers: ClinVar variation 2108152 (VCV002108152.7), dbSNP rs138587317, ClinGen allele CA338877329.